The following is an entry in ClinVar:

NM_000257.4(MYH7):c.5087A>C (p.Glu1696Ala)

Genes: MHRT (myosin heavy chain associated RNA transcript; plus strand), MYH7 (myosin heavy chain 7; minus strand), LOC126861897 (BRD4-independent group 4 enhancer GRCh37_chr14:23884455-23885654; plus strand). Cytogenetic location: 14q11.2.
Variant type: single nucleotide variant.
Coding change: c.5087A>C on transcript NM_000257.4 (MANE Select); coding-DNA position 5087, A replaced by C.
Protein change: p.Glu1696Ala; replaces glutamic acid 1696 with alanine.
Molecular consequence: missense variant. On other transcripts: non-coding transcript variant (1).
Genome position (GRCh38, 1-based): chr14:23,415,699, T>G on the plus strand (A>C on the coding strand, the complement: MYH7 is on the minus strand). VCF-style: chr14-23415699-T-G. GRCh37 (hg19) VCF-style: chr14-23884908-T-G.
Other names: c.5087A>C, p.Glu1696Ala (NM_001407004.1); short protein forms E1696A.
Identifiers: ClinVar variation 3367737 (VCV003367737.2).
Genomic context (GRCh38, chr14:23,415,699, plus strand): 5'-AGCAGCTGCACCCGCTCACTAGTCTCAATCAGCTCCTGCTCCGCCAGCTTCCGGGACCGC[T>G]CTGTCTGCTCCACCACGGCACGCAACTCCTCCAGCTCAGCCTGCAGCAGGTTGTTGCGCC-3'
Protein context (NP_000248.2, residues 1686-1706): EELRAVVEQT[Glu1696Ala]RSRKLAEQEL

ClinVar aggregate classification (germline): Uncertain significance (1 of 4 stars; one submission).

Submission:

GeneDx
Classification: Uncertain significance. Last evaluated: 2026-08-27. Review status: criteria provided, single submitter. Criteria: GeneDx Variant Classification Process June 2021. Collection method: clinical testing. Allele origin: germline.
Comment: Not observed at significant frequency in large population cohorts (gnomAD); In silico analysis supports that this missense variant has a deleterious effect on protein structure/function; Has not been previously published as pathogenic or benign to our knowledge